The following is an entry in ClinVar:

ClinVar aggregate classification (germline): Pathogenic (1 of 4 stars; one submission).

Conditions:
Retinitis pigmentosa 25 (RP25). Identifiers: Orphanet 791, MedGen C1864446, MONDO:0011272, OMIM 602772.

Submission:

Myriad Genetics, Inc.
Classification: Pathogenic for Retinitis pigmentosa 25. Last evaluated: 2026-02-02. Review status: criteria provided, single submitter. Criteria: Myriad Autosomal Dominant, Autosomal Recessive and X-Linked Classification Criteria (2023). Collection method: clinical testing. Allele origin: unknown.
Comment: NM_001142800.1(EYS):c.7077dupT(E2360*) is a nonsense variant classified as pathogenic in the context of retinitis pigmentosa, EYS-related. E2360* has not been observed in cases with relevant disease. Relevant functional assessments of this variant are not available in the literature. E2360* has not been observed in referenced population frequency databases. In summary, NM_001142800.1(EYS):c.7077dupT(E2360*) is a nonsense variant in a gene where loss of function is a known mechanism of disease and is predicted to disrupt protein function. Please note: this variant was assessed in the context of healthy population screening.

NM_001142800.2(EYS):c.7077dup (p.Glu2360Ter)

Gene: EYS (EGF-like photoreceptor maintenance factor; minus strand). Cytogenetic location: 6q12.
Variant type: Duplication.
Coding change: c.7077dup on transcript NM_001142800.2 (MANE Select); coding-DNA position 7077, one base duplicated (T; older notation c.7077dupT).
Protein change: p.Glu2360Ter; replaces glutamic acid 2360 with a stop codon.
Molecular consequence: nonsense.
Genome position (GRCh38, 1-based): chr6:63,864,337, A duplicated on the plus strand (T on the coding strand, the reverse complement: EYS is on the minus strand). VCF-style (leftmost placement, unchanged base first): chr6-63864336-C-CA. GRCh37 (hg19) VCF-style: chr6-64574229-C-CA.
Other names: c.7077dup, p.Glu2360Ter (NM_001292009.2); short protein forms E2360*.
Identifiers: ClinVar variation 5004440 (VCV005004440.1).